The following is an entry in ClinVar:

NM_005458.8(GABBR2):c.2764_2775del (p.Thr922_Pro925del)

Gene: GABBR2 (gamma-aminobutyric acid type B receptor subunit 2; minus strand). Cytogenetic location: 9q22.33.
Variant type: Deletion.
Coding change: c.2764_2775del on transcript NM_005458.8 (MANE Select); coding-DNA positions 2764 to 2775, 12 bases deleted (ACCGCCAGCCCC).
Protein change: p.Thr922_Pro925del.
Molecular consequence: inframe deletion.
Genome position (GRCh38, 1-based): chr9:98,290,635-98,290,646, GGGGCTGGCGGT deleted on the plus strand (ACCGCCAGCCCC on the coding strand, the reverse complement: GABBR2 is on the minus strand); deleting any 12 consecutive bases within chr9:98,290,635-98,290,653 gives the same sequence; the c. name uses the placement nearest the transcript's 3' end. VCF-style (leftmost placement, unchanged base first): chr9-98290634-GGGGGCTGGCGGT-G. GRCh37 (hg19) VCF-style: chr9-101052916-GGGGGCTGGCGGT-G.
Identifiers: ClinVar variation 1993130 (VCV001993130.4), dbSNP rs2491166218, ClinGen allele CA2580080785.

ClinVar aggregate classification (germline): Uncertain significance (1 of 4 stars; one submission).

Conditions:
Epileptic encephalopathy. Identifiers: MedGen C0543888, HP:0200134.

Submission:

Labcorp Genetics (formerly Invitae), Labcorp
Classification: Uncertain significance for Epileptic encephalopathy. Last evaluated: 2022-11-22. Review status: criteria provided, single submitter. Criteria: Invitae Variant Classification Sherloc (09022015). Collection method: clinical testing. Allele origin: germline.
Comment: In summary, the available evidence is currently insufficient to determine the role of this variant in disease. Therefore, it has been classified as a Variant of Uncertain Significance. Experimental studies and prediction algorithms are not available or were not evaluated, and the functional significance of this variant is currently unknown. This variant has not been reported in the literature in individuals affected with GABBR2-related conditions. This variant is not present in population databases (gnomAD no frequency). This variant, c.2764_2775del, results in the deletion of 4 amino acid(s) of the GABBR2 protein (p.Thr922_Pro925del), but otherwise preserves the integrity of the reading frame.